The following is an entry in ClinVar:

NM_000384.3(APOB):c.11953G>A (p.Asp3985Asn)

Gene: APOB (apolipoprotein B; minus strand). Cytogenetic location: 2p24.1.
Variant type: single nucleotide variant.
Coding change: c.11953G>A on transcript NM_000384.3 (MANE Select); coding-DNA position 11953, G replaced by A.
Protein change: p.Asp3985Asn; replaces aspartic acid 3985 with asparagine.
Molecular consequence: missense variant.
Genome position (GRCh38, 1-based): chr2:21,004,403, C>T on the plus strand (G>A on the coding strand, the complement: APOB is on the minus strand). VCF-style: chr2-21004403-C-T. GRCh37 (hg19) VCF-style: chr2-21227275-C-T.
Other names: short protein forms D3985N.
Identifiers: ClinVar variation 927675 (VCV000927675.10), dbSNP rs772544842, ClinGen allele CA048324.

ClinVar aggregate classification (germline): Conflicting classifications of pathogenicity. Review status: criteria provided, conflicting classifications (1 of 4 stars). 2 submissions from 2 submitters: Uncertain significance (1); Likely benign (1). Last evaluated 2025-05-08.

Conditions:
Cardiovascular phenotype. Identifiers: MedGen CN230736.
Familial hypobetalipoproteinemia 1. Also called: Hypobetalipoproteinemia, normotriglyceridemic; Acanthocytosis with hypobetalipoproteinemia; APOB-Related Familial Hypobetalipoproteinemia. Identifiers: MedGen C4551990, MONDO:0014252, OMIM 615558.
Hypercholesterolemia, autosomal dominant, type B (FHCL2). Also called: Familial Hypercholesterolemia Type B; HYPERCHOLESTEROLEMIA, FAMILIAL, DUE TO LIGAND-DEFECTIVE APOLIPOPROTEIN B; Familial hypercholesterolemia 2; APOB-Related Familial Hypercholesterolemia, Autosomal Dominant; APOLIPOPROTEIN B-100, FAMILIAL DEFECTIVE; APOLIPOPROTEIN B-100, FAMILIAL LIGAND-DEFECTIVE. Identifiers: MedGen C1704417, MONDO:0007751, OMIM 144010.

Allele frequency attached by ClinVar (database versions not stated): TOPMed 0.00003; ExAC 0.00006.

Submissions (2):

Labcorp Genetics (formerly Invitae), Labcorp
Classification: Likely benign for Familial hypobetalipoproteinemia 1; Hypercholesterolemia, autosomal dominant, type B. Last evaluated: 2025-05-08. Review status: criteria provided, single submitter. Criteria: Invitae Variant Classification Sherloc (09022015). Collection method: clinical testing. Allele origin: germline.

Ambry Genetics
Classification: Uncertain significance for Cardiovascular phenotype. Last evaluated: 2019-05-20. Review status: criteria provided, single submitter. Criteria: Ambry Variant Classification Scheme 2023. Collection method: clinical testing. Allele origin: germline.
Comment: The p.D3985N variant (also known as c.11953G>A), located in coding exon 28 of the APOB gene, results from a G to A substitution at nucleotide position 11953. The aspartic acid at codon 3985 is replaced by asparagine, an amino acid with highly similar properties. This amino acid position is well conserved in available vertebrate species. In addition, this alteration is predicted to be tolerated by in silico analysis. Since supporting evidence is limited at this time, the clinical significance of this alteration remains unclear.